The following is an entry in ClinVar:

ClinVar aggregate classification (germline): Conflicting classifications of pathogenicity. Review status: criteria provided, conflicting classifications (1 of 4 stars). 4 submissions from 4 submitters: Uncertain significance (1); Likely benign (2). 1 of the submissions does not count toward it. Last evaluated 2026-01-11.

Conditions:
Inborn genetic diseases. Identifiers: MedGen C0950123, MeSH D030342.
INPPL1-related disorder. Also called: INPPL1-related condition.

Allele frequency attached by ClinVar (database versions not stated): ESP Exome Variant Server 0.00039; 1000 Genomes Project 30x 0.00047; ExAC 0.00052; 1000 Genomes Project 0.00060; TOPMed 0.00082; gnomAD 0.00125 and 0.00130; gnomAD exomes 0.00139 and 0.00153.

Submissions (4):

Labcorp Genetics (formerly Invitae), Labcorp
Classification: Likely benign. Last evaluated: 2026-01-11. Review status: criteria provided, single submitter. Criteria: Invitae Variant Classification Sherloc (09022015). Collection method: clinical testing. Allele origin: germline.

Blueprint Genetics
Classification: Likely benign. Last evaluated: 2024-11-23. Review status: criteria provided, single submitter. Criteria: ACMG Guidelines, 2015. Collection method: clinical testing. Allele origin: germline.

Ambry Genetics
Classification: Uncertain significance for Inborn genetic diseases. Last evaluated: 2024-08-01. Review status: criteria provided, single submitter. Criteria: Ambry Variant Classification Scheme 2023. Collection method: clinical testing. Allele origin: germline.

PreventionGenetics, part of Exact Sciences
Classification: Benign for INPPL1-related condition. Last evaluated: 2019-07-31. Review status: no assertion criteria provided. Collection method: clinical testing. Allele origin: germline. Not counted in ClinVar's aggregate classification.
Comment: This variant is classified as benign based on ACMG/AMP sequence variant interpretation guidelines (Richards et al. 2015 PMID: 25741868, with internal and published modifications).

NM_001567.4(INPPL1):c.1706C>T (p.Thr569Met)

Gene: INPPL1 (inositol polyphosphate phosphatase like 1; plus strand). Cytogenetic location: 11q13.4.
Variant type: single nucleotide variant.
Coding change: c.1706C>T on transcript NM_001567.4 (MANE Select); coding-DNA position 1706, C replaced by T.
Protein change: p.Thr569Met; replaces threonine 569 with methionine.
Molecular consequence: missense variant.
Genome position (GRCh38, 1-based): chr11:72,232,330, C>T. VCF-style: chr11-72232330-C-T. GRCh37 (hg19) VCF-style: chr11-71943374-C-T.
Other names: short protein forms T569M.
Identifiers: ClinVar variation 728602 (VCV000728602.16), dbSNP rs141305290, ClinGen allele CA6170107.
Genomic context (GRCh38, chr11:72,232,330, plus strand): 5'-TGTTTAATGGCACCTCATTTGGCTTTGTGAATTGTCACCTCACCTCGGGAAATGAGAAGA[C>T]GGCTCGGTGAGGGGGCGCCTTTCCCATGGTCTCTTTACACCCATCCCATTCACCTGAGGC-3'
Protein context (NP_001558.3, residues 559-579): NCHLTSGNEK[Thr569Met]ARRNQNYLDI